The following is an entry in ClinVar:

NM_000093.5(COL5A1):c.1706G>A (p.Arg569Lys)

Gene: COL5A1 (collagen type V alpha 1 chain; plus strand). Cytogenetic location: 9q34.3.
Variant type: single nucleotide variant.
Coding change: c.1706G>A on transcript NM_000093.5 (MANE Select); coding-DNA position 1706, G replaced by A.
Protein change: p.Arg569Lys; replaces arginine 569 with lysine.
Molecular consequence: missense variant.
Genome position (GRCh38, 1-based): chr9:134,752,632, G>A. VCF-style: chr9-134752632-G-A. GRCh37 (hg19) VCF-style: chr9-137644478-G-A.
Other names: c.1706G>A, p.Arg569Lys (NM_001278074.1); short protein forms R569K.
Identifiers: ClinVar variation 3716425 (VCV003716425.2).
Genomic context (GRCh38, chr9:134,752,632, plus strand): 5'-CTCACTTTCCTTTGCAGTTGGCACTGAGGGGACCAGCTGGCCCGATGGGTCTCACAGGGA[G>A]ACCTGGCCCTGTGGTAAGTCATTGGCAAATCTGAGAGCTGGGCGTGGTGTGGGGATTGGC-3'
Protein context (NP_000084.3, residues 559-579): GPAGPMGLTG[Arg569Lys]PGPVGPPGSG

ClinVar aggregate classification (germline): Uncertain significance (1 of 4 stars; one submission).

Conditions:
Ehlers-Danlos syndrome, classic type, 1 (EDSCL1). Also called: EHLERS-DANLOS SYNDROME, GRAVIS TYPE; EHLERS-DANLOS SYNDROME, SEVERE CLASSIC TYPE; Ehlers-Danlos syndrome, type 1; Ehlers-Danlos Syndrome, Classic Type, COL5A1-Related; EDS I. Identifiers: MedGen C0268335, MONDO:0019567, OMIM 130000.

gnomAD v4.1: 3 of 1,612,970 alleles (0.00019%); highest among the groups gnomAD compares: African/African-American, 0.0013%; no homozygotes.

Submission:

Labcorp Genetics (formerly Invitae), Labcorp
Classification: Uncertain significance for Ehlers-Danlos syndrome, classic type, 1. Last evaluated: 2025-08-06. Review status: criteria provided, single submitter. Criteria: Invitae Variant Classification Sherloc (09022015). Collection method: clinical testing. Allele origin: germline.
Comment: This sequence change replaces arginine, which is basic and polar, with lysine, which is basic and polar, at codon 569 of the COL5A1 protein (p.Arg569Lys). This variant is present in population databases (rs758775647, gnomAD 0.0009%). This variant has not been reported in the literature in individuals affected with COL5A1-related conditions. ClinVar contains an entry for this variant (Variation ID: 3716425). Invitae Evidence Modeling of protein sequence and biophysical properties (such as structural, functional, and spatial information, amino acid conservation, physicochemical variation, residue mobility, and thermodynamic stability) has been performed for this missense variant. However, the output from this modeling did not meet the statistical confidence thresholds required to predict the impact of this variant on COL5A1 protein function. In summary, the available evidence is currently insufficient to determine the role of this variant in disease. Therefore, it has been classified as a Variant of Uncertain Significance.